The following is an entry in ClinVar:

NM_001283009.2(RTEL1):c.2992+8G>C

Genes: RTEL1 (regulator of telomere elongation helicase 1; plus strand), RTEL1-TNFRSF6B (RTEL1-TNFRSF6B readthrough (NMD candidate); plus strand). Cytogenetic location: 20q13.33.
Variant type: single nucleotide variant.
Coding change: c.2992+8G>C on transcript NM_001283009.2 (MANE Select); 8 bases into the intron after coding-DNA position 2992, G replaced by C.
Molecular consequence: intron variant.
Genome position (GRCh38, 1-based): chr20:63,693,291, G>C. VCF-style: chr20-63693291-G-C. GRCh37 (hg19) VCF-style: chr20-62324644-G-C.
Other names: c.2323+8G>C (NM_001283010.1); c.3064+8G>C (NM_032957.5); c.2992+8G>C (NM_016434.4).
Identifiers: ClinVar variation 1991654 (VCV001991654.1), dbSNP rs1236751268, ClinGen allele CA2577456827.

ClinVar aggregate classification (germline): Uncertain significance (1 of 4 stars; one submission).

Conditions:
Dyskeratosis congenita, autosomal recessive 5 (DKCB5). Identifiers: MedGen C3554656, MONDO:0014076, OMIM 615190.
Pulmonary fibrosis and/or bone marrow failure, Telomere-related, 3. Also called: PULMONARY FIBROSIS AND/OR BONE MARROW FAILURE SYNDROME, TELOMERE-RELATED, 3. Identifiers: Orphanet 2032, MedGen C4225346, MONDO:0014613, OMIM 616373.

Submission:

Labcorp Genetics (formerly Invitae), Labcorp
Classification: Uncertain significance for Dyskeratosis congenita, autosomal recessive 5; Pulmonary fibrosis and/or bone marrow failure, Telomere-related, 3. Last evaluated: 2022-09-22. Review status: criteria provided, single submitter. Criteria: Invitae Variant Classification Sherloc (09022015). Collection method: clinical testing. Allele origin: germline.
Comment: This sequence change falls in intron 30 of the RTEL1 gene. It does not directly change the encoded amino acid sequence of the RTEL1 protein. This variant is not present in population databases (gnomAD no frequency). This variant has not been reported in the literature in individuals affected with RTEL1-related conditions. Algorithms developed to predict the effect of sequence changes on RNA splicing suggest that this variant may create or strengthen a splice site. In summary, the available evidence is currently insufficient to determine the role of this variant in disease. Therefore, it has been classified as a Variant of Uncertain Significance.